The following is an entry in ClinVar:

ClinVar aggregate classification (germline): Uncertain significance (1 of 4 stars; one submission).

Conditions:
DICER1-related tumor predisposition. Also called: DICER1-related pleuropulmonary blastoma cancer predisposition syndrome; DICER1 syndrome. Identifiers: Orphanet 284343, MedGen C3839822, MONDO:0100216.

Submission:

Labcorp Genetics (formerly Invitae), Labcorp
Classification: Uncertain significance for DICER1-related tumor predisposition. Last evaluated: 2021-10-24. Review status: criteria provided, single submitter. Criteria: Invitae Variant Classification Sherloc (09022015). Collection method: clinical testing. Allele origin: germline.
Comment: This sequence change replaces arginine with lysine at codon 1083 of the DICER1 protein (p.Arg1083Lys). The arginine residue is weakly conserved and there is a small physicochemical difference between arginine and lysine. This variant is not present in population databases (ExAC no frequency). This variant has not been reported in the literature in individuals affected with DICER1-related conditions. Algorithms developed to predict the effect of missense changes on protein structure and function output the following: SIFT: "Tolerated"; PolyPhen-2: "Benign"; Align-GVGD: "Class C0". The lysine amino acid residue is found in multiple mammalian species, which suggests that this missense change does not adversely affect protein function. In summary, the available evidence is currently insufficient to determine the role of this variant in disease. Therefore, it has been classified as a Variant of Uncertain Significance.

NM_177438.3(DICER1):c.3248G>A (p.Arg1083Lys)

Gene: DICER1 (dicer 1, ribonuclease III; minus strand). Cytogenetic location: 14q32.13.
Variant type: single nucleotide variant.
Coding change: c.3248G>A on transcript NM_177438.3 (MANE Select); coding-DNA position 3248, G replaced by A.
Protein change: p.Arg1083Lys; replaces arginine 1083 with lysine.
Molecular consequence: missense variant. On other transcripts: non-coding transcript variant (6).
Genome position (GRCh38, 1-based): chr14:95,105,092, C>T on the plus strand (G>A on the coding strand, the complement: DICER1 is on the minus strand). VCF-style: chr14-95105092-C-T. GRCh37 (hg19) VCF-style: chr14-95571429-C-T.
Other names: c.3248G>A, p.Arg1083Lys (NM_001195573.1, NM_001271282.3, NM_001291628.2 and 13 more transcripts); c.2966G>A, p.Arg989Lys (NM_001395686.1); c.2843G>A, p.Arg948Lys (NM_001395687.1, NM_001395688.1, NM_001395689.1 and 2 more transcripts); c.2681G>A, p.Arg894Lys (NM_001395691.1); c.1565G>A, p.Arg522Lys (NM_001395697.1); short protein forms R894K, R948K, R989K, R522K, R1083K.
Identifiers: ClinVar variation 1963278 (VCV001963278.2), dbSNP rs1060503616, ClinGen allele CA390876330.